The following is an entry in ClinVar:

ClinVar aggregate classification (germline): Conflicting classifications of pathogenicity. Review status: criteria provided, conflicting classifications (1 of 4 stars). 3 submissions from 3 submitters: Uncertain significance (2); Likely benign (1). Last evaluated 2026-06-01.

Allele frequency attached by ClinVar (database versions not stated): gnomAD 0.00001; gnomAD exomes 0.00001; ExAC 0.00002; TOPMed 0.00003.
gnomAD v4.1: 19 of 1,612,080 alleles (0.0012%); highest among the groups gnomAD compares: Admixed American, 0.023%; no homozygotes.

Submissions (3):

CeGaT Center for Human Genetics Tuebingen
Classification: Likely benign. Last evaluated: 2026-06-01. Review status: criteria provided, single submitter. Criteria: CeGaT Center For Human Genetics Tuebingen Variant Classification Criteria Version 2. Collection method: clinical testing. Allele origin: germline. Affected: yes. Observed: 1 variant allele.
Comment: SPTBN2: BP4, BS2

Labcorp Genetics (formerly Invitae), Labcorp
Classification: Uncertain significance. Last evaluated: 2025-08-21. Review status: criteria provided, single submitter. Criteria: Invitae Variant Classification Sherloc (09022015). Collection method: clinical testing. Allele origin: germline.
Comment: This sequence change replaces serine, which is neutral and polar, with leucine, which is neutral and non-polar, at codon 1355 of the SPTBN2 protein (p.Ser1355Leu). This variant is present in population databases (rs200707472, gnomAD 0.03%). This variant has not been reported in the literature in individuals affected with SPTBN2-related conditions. ClinVar contains an entry for this variant (Variation ID: 2436467). Invitae Evidence Modeling of protein sequence and biophysical properties (such as structural, functional, and spatial information, amino acid conservation, physicochemical variation, residue mobility, and thermodynamic stability) indicates that this missense variant is not expected to disrupt SPTBN2 protein function with a negative predictive value of 80%. In summary, the available evidence is currently insufficient to determine the role of this variant in disease. Therefore, it has been classified as a Variant of Uncertain Significance.

Revvity Omics, Revvity
Classification: Uncertain significance. Last evaluated: 2019-11-22. Review status: criteria provided, single submitter. Criteria: ACMG Guidelines, 2015. Collection method: clinical testing. Allele origin: germline.

NM_006946.4(SPTBN2):c.4064C>T (p.Ser1355Leu)

Gene: SPTBN2 (spectrin beta, non-erythrocytic 2; minus strand). Cytogenetic location: 11q13.2.
Variant type: single nucleotide variant.
Coding change: c.4064C>T on transcript NM_006946.4 (MANE Select); coding-DNA position 4064, C replaced by T.
Protein change: p.Ser1355Leu; replaces serine 1355 with leucine.
Molecular consequence: missense variant.
Genome position (GRCh38, 1-based): chr11:66,696,491, G>A on the plus strand (C>T on the coding strand, the complement: SPTBN2 is on the minus strand). VCF-style: chr11-66696491-G-A. GRCh37 (hg19) VCF-style: chr11-66463962-G-A.
Other names: c.4085C>T, p.Ser1362Leu (NM_001411025.1); short protein forms S1355L, S1362L.
Identifiers: ClinVar variation 2436467 (VCV002436467.6), dbSNP rs200707472, ClinGen allele CA6128669.
Genomic context (GRCh38, chr11:66,696,491, plus strand): 5'-TTGGCTTGGGTGGTGGTCTCCAGCTCGTCCCAGCGCCTGTGCAGGTCTCTCAGCTTCTCC[G>A]ACACCAGGGCTTTCAGCTCTGGCTTCTCAAGGGTGAGCTCTCGCCCTTCCTGGAAGGCAG-3'
Protein context (NP_008877.2, residues 1345-1365): LEKPELKALV[Ser1355Leu]EKLRDLHRRW